The following is an entry in ClinVar:

ClinVar aggregate classification (germline): Uncertain significance (1 of 4 stars; one submission).

Conditions:
Inborn genetic diseases. Identifiers: MedGen C0950123, MeSH D030342.

Submission:

Ambry Genetics
Classification: Uncertain significance for Inborn genetic diseases. Last evaluated: 2026-07-27. Review status: criteria provided, single submitter. Criteria: Ambry Variant Classification Scheme 2023. Collection method: clinical testing. Allele origin: germline.
Comment: The p.L165R variant (also known as c.494T>G), located in coding exon 3 of the ANKRD26 gene, results from a T to G substitution at nucleotide position 494. The leucine at codon 165 is replaced by arginine, an amino acid with dissimilar properties. This amino acid position is conserved. In addition, this alteration is predicted to be deleterious by in silico analysis. Based on the available evidence, the clinical significance of this variant remains unclear.

NM_014915.3(ANKRD26):c.494T>G (p.Leu165Arg)

Gene: ANKRD26 (ankyrin repeat domain 26; minus strand). Cytogenetic location: 10p12.1.
Variant type: single nucleotide variant.
Coding change: c.494T>G on transcript NM_014915.3 (MANE Select); coding-DNA position 494, T replaced by G.
Protein change: p.Leu165Arg; replaces leucine 165 with arginine.
Molecular consequence: missense variant.
Genome position (GRCh38, 1-based): chr10:27,093,386, A>C on the plus strand (T>G on the coding strand, the complement: ANKRD26 is on the minus strand). VCF-style: chr10-27093386-A-C. GRCh37 (hg19) VCF-style: chr10-27382315-A-C.
Other names: c.494T>G, p.Leu165Arg (NM_001256053.2); short protein forms L165R.
Identifiers: ClinVar variation 5023338 (VCV005023338.1).